The following is an entry in ClinVar:

NM_001024845.3(SLC6A9):c.859-10T>C

Gene: SLC6A9 (solute carrier family 6 member 9; minus strand). Cytogenetic location: 1p34.1.
Variant type: single nucleotide variant.
Coding change: c.859-10T>C on transcript NM_001024845.3 (MANE Select); 10 bases into the intron before coding-DNA position 859, T replaced by C.
Molecular consequence: intron variant.
Genome position (GRCh38, 1-based): chr1:44,002,426, A>G on the plus strand (T>C on the coding strand, the complement: SLC6A9 is on the minus strand). VCF-style: chr1-44002426-A-G. GRCh37 (hg19) VCF-style: chr1-44468098-A-G.
Other names: c.526-10T>C (NM_001328630.2, NM_001328626.2); c.859-10T>C (NM_001328629.1); c.664-10T>C (NM_001328628.1); c.796-10T>C (NM_001328627.1); c.871-10T>C (NM_001261380.2); c.916-10T>C (NM_006934.4); c.1078-10T>C (NM_201649.4, NM_201649.3).
Identifiers: ClinVar variation 1646345 (VCV001646345.10), dbSNP rs376444778, ClinGen allele CA817673.

ClinVar aggregate classification (germline): Likely benign. Review status: criteria provided, single submitter (1 of 4 stars). 2 submissions from 2 submitters: Likely benign (1). 1 of the submissions does not count toward it. Last evaluated 2025-08-28.

Conditions:
SLC6A9-related disorder. Also called: SLC6A9-related condition.
Atypical glycine encephalopathy. Also called: Glycine encephalopathy with normal serum glycine. Identifiers: Orphanet 289863, MedGen C4310943, MONDO:0015010, OMIM 617301.

Allele frequency attached by ClinVar (database versions not stated): gnomAD exomes 0.00008 and 0.00003; ExAC 0.00009; 1000 Genomes Project 30x 0.00016; gnomAD 0.00019 and 0.00020; 1000 Genomes Project 0.00020; ESP Exome Variant Server 0.00023; TOPMed 0.00023.
gnomAD v4.1: 75 of 1,613,642 alleles (0.0046%); highest among the groups gnomAD compares: African/African-American, 0.085%; 1 homozygote.

Submissions (2):

Labcorp Genetics (formerly Invitae), Labcorp
Classification: Likely benign for Atypical glycine encephalopathy. Last evaluated: 2025-08-28. Review status: criteria provided, single submitter. Criteria: Invitae Variant Classification Sherloc (09022015). Collection method: clinical testing. Allele origin: germline.

PreventionGenetics, part of Exact Sciences
Classification: Likely benign for SLC6A9-related condition. Last evaluated: 2019-08-12. Review status: no assertion criteria provided. Collection method: clinical testing. Allele origin: germline. Not counted in ClinVar's aggregate classification.
Comment: This variant is classified as likely benign based on ACMG/AMP sequence variant interpretation guidelines (Richards et al. 2015 PMID: 25741868, with internal and published modifications).